The following is an entry in ClinVar:

NM_020639.3(RIPK4):c.*560A>G

Gene: RIPK4 (receptor interacting serine/threonine kinase 4; minus strand). Cytogenetic location: 21q22.3.
Variant type: single nucleotide variant.
Coding change: c.*560A>G on transcript NM_020639.3 (MANE Select); 560 bases downstream of the stop codon, A replaced by G.
Molecular consequence: 3 prime UTR variant.
Genome position (GRCh38, 1-based): chr21:41,740,278, T>C on the plus strand (A>G on the coding strand, the complement: RIPK4 is on the minus strand). VCF-style: chr21-41740278-T-C. GRCh37 (hg19) VCF-style: chr21-43160438-T-C.
Identifiers: ClinVar variation 339999 (VCV000339999.6), dbSNP rs3746890, ClinGen allele CA10652980.

ClinVar aggregate classification (germline): Benign. Review status: criteria provided, multiple submitters, no conflicts (2 of 4 stars). 2 submissions from 2 submitters: Benign (2). Last evaluated 2017-04-27.

Conditions:
Bartsocas-Papas syndrome 1. Also called: Bartsocas-Papas syndrome; MULTIPLE PTERYGIUM SYNDROME, ASLAN TYPE; PTERYGIUM, POPLITEAL, LETHAL TYPE. Identifiers: Orphanet 1234, MedGen C1849718, MONDO:0009901, OMIM 263650.

Allele frequency attached by ClinVar (database versions not stated): gnomAD exomes 0.32447; gnomAD 0.41259 and 0.41607; TOPMed 0.41498; 1000 Genomes Project 30x 0.43379; 1000 Genomes Project 0.43790.
gnomAD v4.1: 63,413 of 152,348 alleles (42%); highest among the groups gnomAD compares: East Asian, 61%; 13,721 homozygotes.

Submissions (2):

Illumina Laboratory Services, Illumina
Classification: Benign for Bartsocas-Papas syndrome 1. Last evaluated: 2017-04-27. Review status: criteria provided, single submitter. Criteria: ICSL Variant Classification Criteria 13 December 2019. Collection method: clinical testing. Allele origin: germline.
Comment: This variant was observed as part of a predisposition screen in an ostensibly healthy population. A literature search was performed for the gene, cDNA change, and amino acid change (where applicable). No publications were found based on this search. Allele frequency data from public databases was too high to be consistent with this variant causing disease. Therefore, this variant is classified as benign.

Breakthrough Genomics
Classification: Benign. Review status: criteria provided, single submitter. Criteria: ACMG Guidelines, 2015. Collection method: not provided. Allele origin: germline. Inheritance: Autosomal recessive inheritance. Affected: yes.